The following is an entry in ClinVar:

NM_015559.3(SETBP1):c.2168T>G (p.Ile723Ser)

Gene: SETBP1 (SET binding protein 1; plus strand). Cytogenetic location: 18q12.3.
Variant type: single nucleotide variant.
Coding change: c.2168T>G on transcript NM_015559.3 (MANE Select); coding-DNA position 2168, T replaced by G.
Protein change: p.Ile723Ser; replaces isoleucine 723 with serine.
Molecular consequence: missense variant.
Genome position (GRCh38, 1-based): chr18:44,951,508, T>G. VCF-style: chr18-44951508-T-G. GRCh37 (hg19) VCF-style: chr18-42531473-T-G.
Other names: c.2168T>G, p.Ile723Ser (NM_001379141.1, NM_001379142.1, NM_001410862.1); short protein forms I723S.
Identifiers: ClinVar variation 1719547 (VCV001719547.5), dbSNP rs992074247, ClinGen allele CA299698286.

ClinVar aggregate classification (germline): Uncertain significance (1 of 4 stars; one submission).

Allele frequency attached by ClinVar (database versions not stated): gnomAD 0.00001; TOPMed 0.00001.
gnomAD v4.1: 1 of 1,613,974 alleles (0.000062%); highest among the groups gnomAD compares: African/African-American, 0.0013%; no homozygotes.

Submission:

Labcorp Genetics (formerly Invitae), Labcorp
Classification: Uncertain significance. Last evaluated: 2022-09-15. Review status: criteria provided, single submitter. Criteria: Invitae Variant Classification Sherloc (09022015). Collection method: clinical testing. Allele origin: germline.
Comment: This sequence change replaces isoleucine, which is neutral and non-polar, with serine, which is neutral and polar, at codon 723 of the SETBP1 protein (p.Ile723Ser). In summary, the available evidence is currently insufficient to determine the role of this variant in disease. Therefore, it has been classified as a Variant of Uncertain Significance. Algorithms developed to predict the effect of missense changes on protein structure and function (SIFT, PolyPhen-2, Align-GVGD) all suggest that this variant is likely to be disruptive. This variant has not been reported in the literature in individuals affected with SETBP1-related conditions. This variant is not present in population databases (gnomAD no frequency).